The following is an entry in ClinVar:

NM_004186.5(SEMA3F):c.1962C>T (p.Asp654=)

Gene: SEMA3F (semaphorin 3F; plus strand). Cytogenetic location: 3p21.31.
Variant type: single nucleotide variant.
Coding change: c.1962C>T on transcript NM_004186.5 (MANE Select); coding-DNA position 1962, C replaced by T.
Protein change: p.Asp654=; no amino-acid change (aspartic acid 654 retained).
Molecular consequence: synonymous variant.
Genome position (GRCh38, 1-based): chr3:50,187,719, C>T. VCF-style: chr3-50187719-C-T. GRCh37 (hg19) VCF-style: chr3-50225152-C-T.
Other names: c.1665C>T, p.Asp555= (NM_001318798.2); c.1869C>T, p.Asp623= (NM_001318800.2).
Identifiers: ClinVar variation 4979368 (VCV004979368.1).

ClinVar aggregate classification (germline): Likely benign (1 of 4 stars; one submission).

Conditions:
SEMA3F-related disorder. Also called: SEMA3F-related condition.

gnomAD v4.1: 2 of 1,594,618 alleles (0.00013%); highest among the groups gnomAD compares: Non-Finnish European, 0.00017%; no homozygotes.

Submission:

PreventionGenetics, part of Exact Sciences
Classification: Likely benign for SEMA3F-related condition. Last evaluated: 2025-01-08. Review status: criteria provided, single submitter. Criteria: ACMG Guidelines, 2015. Collection method: clinical testing. Allele origin: germline.
Comment: This variant is classified as likely benign based on ACMG/AMP sequence variant interpretation guidelines (Richards et al. 2015 PMID: 25741868, with internal and published modifications).